The following is an entry in ClinVar:

NM_001353345.2(SETD1B):c.5084G>A (p.Arg1695His)

Gene: SETD1B (SET domain containing 1B, histone lysine methyltransferase; plus strand). Cytogenetic location: 12q24.31.
Variant type: single nucleotide variant.
Coding change: c.5084G>A on transcript NM_001353345.2 (MANE Select); coding-DNA position 5084, G replaced by A.
Protein change: p.Arg1695His; replaces arginine 1695 with histidine.
Molecular consequence: missense variant.
Genome position (GRCh38, 1-based): chr12:121,823,663, G>A. VCF-style: chr12-121823663-G-A. GRCh37 (hg19) VCF-style: chr12-122261569-G-A.
Other names: NM_015048.1:c.4955G>A; short protein forms R1695H.
Identifiers: ClinVar variation 1711358 (VCV001711358.32), dbSNP rs373993063, ClinGen allele CA6839252.

ClinVar aggregate classification (germline): Likely benign. Review status: criteria provided, multiple submitters, no conflicts (2 of 4 stars). 3 submissions from 3 submitters: Likely benign (2). 1 of the submissions does not count toward it. Last evaluated 2024-10-01.

Conditions:
SETD1B-related disorder. Also called: SETD1B-related condition.

Allele frequency attached by ClinVar (database versions not stated): gnomAD 0.00009; gnomAD exomes 0.00009; TOPMed 0.00012; ESP Exome Variant Server 0.00022; ExAC 0.00039.

Submissions (3):

CeGaT Center for Human Genetics Tuebingen
Classification: Likely benign. Last evaluated: 2024-10-01. Review status: criteria provided, single submitter. Criteria: CeGaT Center For Human Genetics Tuebingen Variant Classification Criteria Version 2. Collection method: clinical testing. Allele origin: germline. Affected: yes. Observed: 3 variant alleles.
Comment: SETD1B: PP2, BS2

Blueprint Genetics
Classification: Likely benign. Last evaluated: 2023-06-23. Review status: criteria provided, single submitter. Criteria: ACMG Guidelines, 2015. Collection method: clinical testing. Allele origin: germline.

PreventionGenetics, part of Exact Sciences
Classification: Likely benign for SETD1B-related condition. Last evaluated: 2021-05-06. Review status: no assertion criteria provided. Collection method: clinical testing. Allele origin: germline. Not counted in ClinVar's aggregate classification.
Comment: This variant is classified as likely benign based on ACMG/AMP sequence variant interpretation guidelines (Richards et al. 2015 PMID: 25741868, with internal and published modifications).